The following is an entry in ClinVar:

NM_014363.6(SACS):c.3966_3967insCTGATG (p.Gly1322_Ser1323insLeuMet)

Gene: SACS (sacsin molecular chaperone; minus strand). Cytogenetic location: 13q12.12.
Variant type: Insertion.
Coding change: c.3966_3967insCTGATG on transcript NM_014363.6 (MANE Select); coding-DNA positions 3966 to 3967, CTGATG inserted.
Protein change: p.Gly1322_Ser1323insLeuMet.
Molecular consequence: inframe insertion.
Genome position: GRCh38 VCF-style: chr13-23339909-A-ACATCAG. GRCh37 (hg19) VCF-style: chr13-23914048-A-ACATCAG.
Other names: c.3525_3526insCTGATG, p.Gly1175_Ser1176insLeuMet (NM_001278055.2); c.3993_3994insCTGATG, p.Gly1331_Ser1332insLeuMet (NM_001437336.1).
Identifiers: ClinVar variation 4874982 (VCV004874982.2).

ClinVar aggregate classification (germline): Uncertain significance (1 of 4 stars; one submission).

Submission:

CeGaT Center for Human Genetics Tuebingen
Classification: Uncertain significance. Last evaluated: 2026-05-01. Review status: criteria provided, single submitter. Criteria: CeGaT Center For Human Genetics Tuebingen Variant Classification Criteria Version 2. Collection method: clinical testing. Allele origin: germline. Affected: yes. Observed: 1 variant allele.
Comment: SACS: PM2, PM4